The following is an entry in ClinVar:

NM_000397.4(CYBB):c.252+5G>C

Gene: CYBB (cytochrome b-245 beta chain; plus strand). Cytogenetic location: Xp21.1.
Variant type: single nucleotide variant.
Coding change: c.252+5G>C on transcript NM_000397.4 (MANE Select); 5 bases into the intron after coding-DNA position 252, G replaced by C.
Molecular consequence: intron variant.
Genome position (GRCh38, 1-based): chrX:37,783,605, G>C. VCF-style: chrX-37783605-G-C. GRCh37 (hg19) VCF-style: chrX-37642858-G-C.
Identifiers: ClinVar variation 1066112 (VCV001066112.10), dbSNP rs1602175016, ClinGen allele CA2499226673.

ClinVar aggregate classification (germline): Likely pathogenic. Review status: criteria provided, single submitter (1 of 4 stars). 2 submissions from 2 submitters: Likely pathogenic (1). 1 of the submissions does not count toward it. Last evaluated 2020-09-03.

Conditions:
Granulomatous disease, chronic, X-linked. Also called: CYTOCHROME b-NEGATIVE GRANULOMATOUS DISEASE, CHRONIC, X-LINKED; GRANULOMATOUS DISEASE, CHRONIC, X-LINKED, SOMATIC MOSAIC. Identifiers: Orphanet 379, MedGen C1844376, MONDO:0010600, OMIM 306400.

Submissions (2):

Labcorp Genetics (formerly Invitae), Labcorp
Classification: Likely pathogenic for Granulomatous disease, chronic, X-linked. Last evaluated: 2020-09-03. Review status: criteria provided, single submitter. Criteria: Invitae Variant Classification Sherloc (09022015). Collection method: clinical testing. Allele origin: germline.
Comment: This sequence change falls in intron 3 of the CYBB gene. It does not directly change the encoded amino acid sequence of the CYBB protein, but it affects a nucleotide within the consensus splice site of the intron. This variant is not present in population databases (ExAC no frequency). This variant has been observed in individual(s) with clinical features of chronic granulomatous disease (PMID: 9585602, 11162142, 27980538, 20729109, Invitae). This variant is also known as intron 3 gtaag>gtaac. Nucleotide substitutions within the consensus splice site are a relatively common cause of aberrant splicing (PMID: 17576681, 9536098). Algorithms developed to predict the effect of sequence changes on RNA splicing suggest that this variant may disrupt the consensus splice site, but this prediction has not been confirmed by published transcriptional studies. This variant disrupts the c.252+5G nucleotide in the CYBB gene. Other variant(s) that disrupt this nucleotide have been determined to be pathogenic (PMID: 29560547, 1520880, 20729109). This suggests that this nucleotide is clinically significant, and that variants that disrupt this position are likely to be disease-causing. In summary, the currently available evidence indicates that the variant is pathogenic, but additional data are needed to prove that conclusively. Therefore, this variant has been classified as Likely Pathogenic.

Clinic of Clinical Immunology with Stem Cell Bank, Expert Centre for Rare Diseases - PID, University Hospital "Alexandrovska"
Classification: Likely pathogenic for Granulomatous disease, chronic, X-linked. Last evaluated: 2022-05-01. Review status: no assertion criteria provided. Collection method: clinical testing. Allele origin: germline. Affected: yes. Not counted in ClinVar's aggregate classification.

Literature cited by the submitters: PubMed 9585602 (cited by Labcorp Genetics (formerly Invitae), Labcorp); PubMed 11162142 (cited by Labcorp Genetics (formerly Invitae), Labcorp); PubMed 27980538 (cited by Labcorp Genetics (formerly Invitae), Labcorp); PubMed 20729109 (cited by Labcorp Genetics (formerly Invitae), Labcorp); PubMed 17576681 (cited by Labcorp Genetics (formerly Invitae), Labcorp); PubMed 9536098 (cited by Labcorp Genetics (formerly Invitae), Labcorp); PubMed 29560547 (cited by Labcorp Genetics (formerly Invitae), Labcorp); PubMed 1520880 (cited by Labcorp Genetics (formerly Invitae), Labcorp).